The following is an entry in ClinVar:

NM_004963.4(GUCY2C):c.1121A>G (p.Asp374Gly)

Genes: GUCY2C (guanylate cyclase 2C; minus strand), GUCY2C-AS1 (GUCY2C antisense RNA 1; plus strand). Cytogenetic location: 12p12.3.
Variant type: single nucleotide variant.
Coding change: c.1121A>G on transcript NM_004963.4 (MANE Select); coding-DNA position 1121, A replaced by G.
Protein change: p.Asp374Gly; replaces aspartic acid 374 with glycine.
Molecular consequence: missense variant.
Genome position (GRCh38, 1-based): chr12:14,672,922, T>C on the plus strand (A>G on the coding strand, the complement: GUCY2C is on the minus strand). VCF-style: chr12-14672922-T-C. GRCh37 (hg19) VCF-style: chr12-14825856-T-C.
Other names: short protein forms D374G.
Identifiers: ClinVar variation 1878780 (VCV001878780.1), dbSNP rs895568785, ClinGen allele CA233227967.
Genomic context (GRCh38, chr12:14,672,922, plus strand): 5'-GTGAGACATACTTTCTTGGTGTCCACAGAGGTATACAGAAGCACCATGGTACTGTCAACA[T>C]CCCCCCAGTCATCCAAGGTCACTGGACCGTCATACCCTAGGGCAAGATCAGAGTATGTTA-3'
Protein context (NP_004954.2, residues 364-384): DGPVTLDDWG[Asp374Gly]VDSTMVLLYT

ClinVar aggregate classification (germline): Uncertain significance (1 of 4 stars; one submission).

Allele frequency attached by ClinVar (database versions not stated): TOPMed 0.00001.

Submission:

GeneDx
Classification: Uncertain significance. Last evaluated: 2022-07-11. Review status: criteria provided, single submitter. Criteria: GeneDx Variant Classification Process June 2021. Collection method: clinical testing. Allele origin: germline. Affected: yes.
Comment: Not observed at significant frequency in large population cohorts (gnomAD); In silico analysis supports that this missense variant has a deleterious effect on protein structure/function; In-silico analysis is inconclusive as to whether the variant alters gene splicing. In the absence of RNA/functional studies, the actual effect of this sequence change is unknown.; Has not been previously published as pathogenic or benign to our knowledge